The following is an entry in ClinVar:

ClinVar aggregate classification (germline): Conflicting classifications of pathogenicity. Review status: criteria provided, conflicting classifications (1 of 4 stars). 2 submissions from 2 submitters: Uncertain significance (1); Likely benign (1). Last evaluated 2026-03-20.

Conditions:
PKD1-related disorder. Also called: PKD1-related condition.

gnomAD v4.1: 400 of 1,595,928 alleles (0.025%); highest among the groups gnomAD compares: Non-Finnish European, 0.033%; no homozygotes.

Submissions (2):

PreventionGenetics, part of Exact Sciences
Classification: Uncertain significance for PKD1-related condition. Last evaluated: 2026-03-20. Review status: criteria provided, single submitter. Criteria: ACMG Guidelines, 2015. Collection method: clinical testing. Allele origin: germline.
Comment: The PKD1 c.7859A>G variant is predicted to result in the amino acid substitution p.Asn2620Ser. To our knowledge, this variant has not been reported in the literature. This variant is reported in 0.024% of alleles in individuals of European (Non-Finnish) descent in gnomAD. Although we suspect that this variant may be benign, at this time, the clinical significance of this variant is uncertain due to the absence of conclusive functional and genetic evidence.

Blueprint Genetics
Classification: Likely benign. Last evaluated: 2024-06-27. Review status: criteria provided, single submitter. Criteria: ACMG Guidelines, 2015. Collection method: clinical testing. Allele origin: germline.

NM_001009944.3(PKD1):c.7859A>G (p.Asn2620Ser)

Gene: PKD1 (polycystin 1, transient receptor potential channel interacting; minus strand). Cytogenetic location: 16p13.3.
Variant type: single nucleotide variant.
Coding change: c.7859A>G on transcript NM_001009944.3 (MANE Select); coding-DNA position 7859, A replaced by G.
Protein change: p.Asn2620Ser; replaces asparagine 2620 with serine.
Molecular consequence: missense variant.
Genome position (GRCh38, 1-based): chr16:2,105,869, T>C on the plus strand (A>G on the coding strand, the complement: PKD1 is on the minus strand). VCF-style: chr16-2105869-T-C. GRCh37 (hg19) VCF-style: chr16-2155870-T-C.
Other names: c.7859A>G, p.Asn2620Ser (NM_000296.4); short protein forms N2620S.
Identifiers: ClinVar variation 4927729 (VCV004927729.2).